The following is an entry in ClinVar:

NM_015512.5(DNAH1):c.158C>T (p.Pro53Leu)

Gene: DNAH1 (dynein axonemal heavy chain 1; plus strand). Cytogenetic location: 3p21.1.
Variant type: single nucleotide variant.
Coding change: c.158C>T on transcript NM_015512.5 (MANE Select); coding-DNA position 158, C replaced by T.
Protein change: p.Pro53Leu; replaces proline 53 with leucine.
Molecular consequence: missense variant.
Genome position (GRCh38, 1-based): chr3:52,322,600, C>T. VCF-style: chr3-52322600-C-T. GRCh37 (hg19) VCF-style: chr3-52356616-C-T.
Other names: short protein forms P53L.
Identifiers: ClinVar variation 4794746 (VCV004794746.1).
Genomic context (GRCh38, chr3:52,322,600, plus strand): 5'-GCCTAGAGTATAACCCGGGGAAGATTCTTCCAGGATCAGACTATGGGTTGGGAAATCCTC[C>T]AGCCCTTGACCCCAAGCTCCCACATTTACCCCTGCCCCCGGCCCCACCCACACTCTCAGA-3'
Protein context (NP_056327.4, residues 43-63): PGSDYGLGNP[Pro53Leu]ALDPKLPHLP

ClinVar aggregate classification (germline): Uncertain significance (1 of 4 stars; one submission).

Conditions:
Spermatogenic failure 18. Identifiers: MedGen C4539783, MONDO:0054615, OMIM 617576.
Ciliary dyskinesia, primary, 37 (CILD37). Also called: CILIARY DYSKINESIA, PRIMARY, 37, WITH OR WITHOUT SITUS INVERSUS. Identifiers: MedGen C4539798, MONDO:0033204, OMIM 617577.

gnomAD v4.1: 2 of 1,613,918 alleles (0.00012%); highest among the groups gnomAD compares: African/African-American, 0.0027%; no homozygotes.

Submission:

Labcorp Genetics (formerly Invitae), Labcorp
Classification: Uncertain significance for Ciliary dyskinesia, primary, 37; Spermatogenic failure 18. Last evaluated: 2025-09-21. Review status: criteria provided, single submitter. Criteria: Invitae Variant Classification Sherloc (09022015). Collection method: clinical testing. Allele origin: germline.
Comment: This sequence change replaces proline, which is neutral and non-polar, with leucine, which is neutral and non-polar, at codon 53 of the DNAH1 protein (p.Pro53Leu). This variant is not present in population databases (gnomAD no frequency). This variant has not been reported in the literature in individuals affected with DNAH1-related conditions. An algorithm developed to predict the effect of missense changes on protein structure and function outputs the following: PolyPhen-2: "Benign". The leucine amino acid residue is found in multiple mammalian species, which suggests that this missense change does not adversely affect protein function. In summary, the available evidence is currently insufficient to determine the role of this variant in disease. Therefore, it has been classified as a Variant of Uncertain Significance.